The following is an entry in ClinVar:

NM_001099274.3(TINF2):c.43G>C (p.Ala15Pro)

Gene: TINF2 (TERF1 interacting nuclear factor 2; minus strand). Cytogenetic location: 14q12.
Variant type: single nucleotide variant.
Coding change: c.43G>C on transcript NM_001099274.3 (MANE Select); coding-DNA position 43, G replaced by C.
Protein change: p.Ala15Pro; replaces alanine 15 with proline.
Molecular consequence: missense variant.
Genome position (GRCh38, 1-based): chr14:24,242,290, C>G on the plus strand (G>C on the coding strand, the complement: TINF2 is on the minus strand). VCF-style: chr14-24242290-C-G. GRCh37 (hg19) VCF-style: chr14-24711496-C-G.
Other names: c.43G>C, p.Ala15Pro (NM_001363668.2, NM_012461.3); short protein forms A15P.
Identifiers: ClinVar variation 2703804 (VCV002703804.3), dbSNP rs1239281797, ClinGen allele CA389236732.

ClinVar aggregate classification (germline): Uncertain significance (1 of 4 stars; one submission).

Conditions:
Dyskeratosis congenita. Identifiers: Orphanet 1775, MedGen C0265965, MONDO:0015780.

Submission:

Labcorp Genetics (formerly Invitae), Labcorp
Classification: Uncertain significance for Dyskeratosis congenita. Last evaluated: 2023-12-18. Review status: criteria provided, single submitter. Criteria: Invitae Variant Classification Sherloc (09022015). Collection method: clinical testing. Allele origin: germline.
Comment: This sequence change replaces alanine, which is neutral and non-polar, with proline, which is neutral and non-polar, at codon 15 of the TINF2 protein (p.Ala15Pro). This variant is not present in population databases (gnomAD no frequency). This variant has not been reported in the literature in individuals affected with TINF2-related conditions. An algorithm developed to predict the effect of missense changes on protein structure and function (PolyPhen-2) suggests that this variant is likely to be disruptive. In summary, the available evidence is currently insufficient to determine the role of this variant in disease. Therefore, it has been classified as a Variant of Uncertain Significance.